The following is an entry in ClinVar:

ClinVar aggregate classification (germline): Uncertain significance (1 of 4 stars; one submission).

Conditions:
Multiple gastrointestinal atresias. Also called: Multiple intestinal atresia; FAMILIAL INTESTINAL POLYATRESIA SYNDROME. Identifiers: Orphanet 2300, MedGen C0220744, MONDO:0009465.

Allele frequency attached by ClinVar (database versions not stated): gnomAD exomes below 0.00001 and 0.00001; ExAC 0.00001; gnomAD 0.00001 and 0.00002; TOPMed 0.00004; 1000 Genomes Project 30x 0.00016; 1000 Genomes Project 0.00020.
gnomAD v4.1: 10 of 1,613,784 alleles (0.00062%); highest among the groups gnomAD compares: African/African-American, 0.0067%; no homozygotes.

Submission:

Labcorp Genetics (formerly Invitae), Labcorp
Classification: Uncertain significance for Multiple gastrointestinal atresias. Last evaluated: 2022-07-06. Review status: criteria provided, single submitter. Criteria: Invitae Variant Classification Sherloc (09022015). Collection method: clinical testing. Allele origin: germline.
Comment: In summary, the available evidence is currently insufficient to determine the role of this variant in disease. Therefore, it has been classified as a Variant of Uncertain Significance. Algorithms developed to predict the effect of missense changes on protein structure and function (SIFT, PolyPhen-2, Align-GVGD) all suggest that this variant is likely to be tolerated. ClinVar contains an entry for this variant (Variation ID: 952168). This variant has not been reported in the literature in individuals affected with TTC7A-related conditions. This variant is present in population databases (rs561491427, gnomAD 0.006%). This sequence change replaces alanine, which is neutral and non-polar, with valine, which is neutral and non-polar, at codon 667 of the TTC7A protein (p.Ala667Val).

NM_020458.4(TTC7A):c.2000C>T (p.Ala667Val)

Gene: TTC7A (tetratricopeptide repeat domain 7A; plus strand). Cytogenetic location: 2p21.
Variant type: single nucleotide variant.
Coding change: c.2000C>T on transcript NM_020458.4 (MANE Select); coding-DNA position 2000, C replaced by T.
Protein change: p.Ala667Val; replaces alanine 667 with valine.
Molecular consequence: missense variant.
Genome position (GRCh38, 1-based): chr2:47,050,029, C>T. VCF-style: chr2-47050029-C-T. GRCh37 (hg19) VCF-style: chr2-47277168-C-T.
Other names: c.2072C>T, p.Ala691Val (NM_001288951.2); c.1898C>T, p.Ala633Val (NM_001288953.2); c.938C>T, p.Ala313Val (NM_001288955.2); short protein forms A633V, A667V, A313V, A691V.
Identifiers: ClinVar variation 952168 (VCV000952168.9), dbSNP rs561491427, ClinGen allele CA1647955.
Genomic context (GRCh38, chr2:47,050,029, plus strand): 5'-GCTTCGGTGAGGGCCTCACCATGAAGAAGCAGAGTGGCATGCACCTGACTTTGCCTGATG[C>T]CCATGATGCAGACTCTGGTAAGAACGAGCTCCTTGGGCCACTGTGTGCATGGACCCACAG-3'
Protein context (NP_065191.2, residues 657-677): QSGMHLTLPD[Ala667Val]HDADSGSRRA